The following is an entry in ClinVar:

ClinVar aggregate classification (germline): Likely benign. Review status: criteria provided, multiple submitters, no conflicts (2 of 4 stars). 6 submissions from 6 submitters: Likely benign (6). Last evaluated 2025-09-27.

Conditions:
Catecholaminergic polymorphic ventricular tachycardia (CVPT). Also called: Catecholamine-induced polymorphic ventricular tachycardia. Identifiers: Orphanet 3286, MedGen C5574922, MONDO:0017990.
Cardiovascular phenotype. Identifiers: MedGen CN230736.
Cardiomyopathy (CMYO). Also called: Cardiomyopathies. Identifiers: Orphanet 167848, MedGen C0878544, MONDO:0004994, HP:0001638. Inheritance: Various modes of inheritance.
Catecholaminergic polymorphic ventricular tachycardia 1. Also called: RYR2-Related Catecholaminergic Polymorphic Ventricular Tachycardia; VENTRICULAR TACHYCARDIA, STRESS-INDUCED POLYMORPHIC 1; VENTRICULAR TACHYCARDIA, CATECHOLAMINERGIC POLYMORPHIC, 1, WITH OR WITHOUT ATRIAL DYSFUNCTION AND/OR DILATED CARDIOMYOPATHY. Identifiers: Orphanet 3286, MedGen C1631597, MONDO:0011484, OMIM 604772.

Allele frequency attached by ClinVar (database versions not stated): gnomAD 0.00001; TOPMed 0.00001; gnomAD exomes 0.00002; ExAC 0.00003.
gnomAD v4.1: 77 of 1,613,594 alleles (0.0048%); highest among the groups gnomAD compares: Non-Finnish European, 0.0064%; no homozygotes.

Submissions (6):

Labcorp Genetics (formerly Invitae), Labcorp
Classification: Likely benign for Catecholaminergic polymorphic ventricular tachycardia 1. Last evaluated: 2025-09-27. Review status: criteria provided, single submitter. Criteria: Invitae Variant Classification Sherloc (09022015). Collection method: clinical testing. Allele origin: germline.

All of Us Research Program, National Institutes of Health
Classification: Likely benign for Catecholaminergic polymorphic ventricular tachycardia. Last evaluated: 2023-09-17. Review status: criteria provided, single submitter. Criteria: ACMG Guidelines, 2015. Collection method: clinical testing. Allele origin: germline. Inheritance: Autosomal dominant inheritance. Observed: 4 variant alleles, 4 heterozygotes.
Comment: This study involves interpretation of variants in research participants for the purpose of population health screening. Participant phenotype was not available at the time of variant classification. Additional details can be found in publication PMID: 35346344, PMCID: PMC8962531

CHEO Genetics Diagnostic Laboratory, Children's Hospital of Eastern Ontario
Classification: Likely benign for Cardiomyopathy. Last evaluated: 2021-05-06. Review status: criteria provided, single submitter. Criteria: ACMG Guidelines, 2015. Collection method: clinical testing. Allele origin: germline.

GeneDx
Classification: Likely benign. Last evaluated: 2021-04-22. Review status: criteria provided, single submitter. Criteria: GeneDx Variant Classification Process June 2021. Collection method: clinical testing. Allele origin: germline. Affected: yes.

Ambry Genetics
Classification: Likely benign for Cardiovascular phenotype. Last evaluated: 2021-03-23. Review status: criteria provided, single submitter. Criteria: Ambry Variant Classification Scheme 2023. Collection method: clinical testing. Allele origin: germline.

Color Diagnostics, LLC DBA Color Health
Classification: Likely benign for Cardiomyopathy. Last evaluated: 2020-03-26. Review status: criteria provided, single submitter. Criteria: ACMG Guidelines, 2015. Collection method: clinical testing. Allele origin: germline.

NM_001035.3(RYR2):c.12720G>C (p.Thr4240=)

Genes: RYR2 (ryanodine receptor 2; plus strand), LOC126806068 (BRD4-independent group 4 enhancer GRCh37_chr1:237947411-237948610; plus strand). Cytogenetic location: 1q43.
Variant type: single nucleotide variant.
Coding change: c.12720G>C on transcript NM_001035.3 (MANE Select); coding-DNA position 12720, G replaced by C.
Protein change: p.Thr4240=; no amino-acid change (threonine 4240 retained).
Molecular consequence: synonymous variant.
Genome position (GRCh38, 1-based): chr1:237,784,432, G>C. VCF-style: chr1-237784432-G-C. GRCh37 (hg19) VCF-style: chr1-237947732-G-C.
Other names: c.12720G>C, p.Thr4240= (LRG_402t1).
Identifiers: ClinVar variation 382856 (VCV000382856.18), dbSNP rs774851947, ClinGen allele CA085221.